The following is an entry in ClinVar:

NM_001286615.2(ANO4):c.1021C>T (p.Arg341Trp)

Gene: ANO4 (anoctamin 4). Cytogenetic location: 12q23.1.
Variant type: single nucleotide variant.
Coding change: c.1021C>T on transcript NM_001286615.2 (MANE Select); coding-DNA position 1021, C replaced by T.
Protein change: p.Arg341Trp; replaces arginine 341 with tryptophan.
Molecular consequence: missense variant.
Genome position (GRCh38, 1-based): chr12:101,042,335, C>T. VCF-style: chr12-101042335-C-T. GRCh37 (hg19) VCF-style: chr12-101436113-C-T.
Other names: c.1021C>T, p.Arg341Trp (NM_001286616.1); c.916C>T, p.Arg306Trp (NM_178826.4); short protein forms R341W, R306W.
Identifiers: ClinVar variation 4641178 (VCV004641178.1).

ClinVar aggregate classification (germline): Uncertain significance (1 of 4 stars; one submission).

gnomAD v4.1: 49 of 1,614,028 alleles (0.003%); highest among the groups gnomAD compares: African/African-American, 0.008%; no homozygotes.

Submission:

Ambry Genetics
Classification: Uncertain significance. Last evaluated: 2025-11-06. Review status: criteria provided, single submitter. Criteria: Ambry Variant Classification Scheme 2023. Collection method: clinical testing. Allele origin: germline.
Comment: The c.916C>T (p.R306W) alteration is located in exon 11 (coding exon 10) of the ANO4 gene. This alteration results from a C to T substitution at nucleotide position 916, causing the arginine (R) at amino acid position 306 to be replaced by a tryptophan (W). Based on data from gnomAD, the T allele has an overall frequency of 0.002% (6/251228) total alleles studied. The highest observed frequency was 0.006% (1/16254) of African alleles. Based on insufficient or conflicting evidence, the clinical significance of this alteration remains unclear.